The following is an entry in ClinVar:

NM_005269.3(GLI1):c.3088G>A (p.Glu1030Lys)

Gene: GLI1 (GLI family zinc finger 1; plus strand). Cytogenetic location: 12q13.3.
Variant type: single nucleotide variant.
Coding change: c.3088G>A on transcript NM_005269.3 (MANE Select); coding-DNA position 3088, G replaced by A.
Protein change: p.Glu1030Lys; replaces glutamic acid 1030 with lysine.
Molecular consequence: missense variant.
Genome position (GRCh38, 1-based): chr12:57,471,828, G>A. VCF-style: chr12-57471828-G-A. GRCh37 (hg19) VCF-style: chr12-57865611-G-A.
Other names: c.2704G>A, p.Glu902Lys (NM_001160045.2); c.2965G>A, p.Glu989Lys (NM_001167609.2); short protein forms E1030K, E902K, E989K.
Identifiers: ClinVar variation 4030102 (VCV004030102.2).

ClinVar aggregate classification (germline): Uncertain significance. Review status: criteria provided, multiple submitters, no conflicts (2 of 4 stars). 2 submissions from 2 submitters: Uncertain significance (2). Last evaluated 2026-07-01.

gnomAD v4.1: 15 of 1,565,584 alleles (0.00096%); highest among the groups gnomAD compares: East Asian, 0.016%; no homozygotes.

Submissions (2):

CeGaT Center for Human Genetics Tuebingen
Classification: Uncertain significance. Last evaluated: 2026-07-01. Review status: criteria provided, single submitter. Criteria: CeGaT Center For Human Genetics Tuebingen Variant Classification Criteria Version 2. Collection method: clinical testing. Allele origin: germline. Affected: yes. Observed: 1 variant allele.
Comment: GLI1: PM2, BP5

Ambry Genetics
Classification: Uncertain significance. Last evaluated: 2025-04-11. Review status: criteria provided, single submitter. Criteria: Ambry Variant Classification Scheme 2023. Collection method: clinical testing. Allele origin: germline.